The following is an entry in ClinVar:

NM_003002.4(SDHD):c.330T>C (p.Val110=)

Gene: SDHD (succinate dehydrogenase complex subunit D; plus strand). Cytogenetic location: 11q23.1.
Variant type: single nucleotide variant.
Coding change: c.330T>C on transcript NM_003002.4 (MANE Select); coding-DNA position 330, T replaced by C.
Protein change: p.Val110=; no amino-acid change (valine 110 retained).
Molecular consequence: synonymous variant. On other transcripts: missense variant (1), 3 prime UTR variant (1), non-coding transcript variant (1).
Genome position (GRCh38, 1-based): chr11:112,094,820, T>C. VCF-style: chr11-112094820-T-C. GRCh37 (hg19) VCF-style: chr11-111965544-T-C.
Other names: c.185T>C, p.Leu62Ser (NM_001276503.2); c.213T>C, p.Val71= (NM_001276504.2); c.*28T>C (NM_001276506.2); short protein forms L62S.
Identifiers: ClinVar variation 3904562 (VCV003904562.1).

ClinVar aggregate classification (germline): Benign (1 of 4 stars; one submission).

Conditions:
Pheochromocytoma/paraganglioma syndrome 1. Also called: PARAGANGLIOMAS, FAMILIAL NONCHROMAFFIN, 1; PGL 1; Paragangliomas familial 1; PARAGANGLIOMATA; Paragangliomas 1; Glomus tumors familial 1. Identifiers: Orphanet 29072, MedGen C3494181, MONDO:0008192, OMIM 168000.

Submission:

Myriad Genetics, Inc.
Classification: Benign for Pheochromocytoma/paraganglioma syndrome 1. Last evaluated: 2025-03-17. Review status: criteria provided, single submitter. Criteria: Myriad Autosomal Dominant, Autosomal Recessive and X-Linked Classification Criteria (2023). Collection method: clinical testing. Allele origin: unknown.
Comment: This variant is considered benign. This variant is a silent/synonymous amino acid change and it is not expected to impact splicing.